The following is an entry in ClinVar:

ClinVar aggregate classification (germline): Likely benign (0 of 4 stars; one submission).

Conditions:
BCO1-related disorder. Also called: BCO1-related condition.

Allele frequency attached by ClinVar (database versions not stated): 1000 Genomes Project 30x 0.00031; ExAC 0.00045; gnomAD 0.00056; TOPMed 0.00056; ESP Exome Variant Server 0.00069.
gnomAD v4.1: 1,705 of 1,604,390 alleles (0.11%); highest among the groups gnomAD compares: Non-Finnish European, 0.13%; 2 homozygotes.

Submission:

PreventionGenetics, part of Exact Sciences
Classification: Likely benign for BCO1-related condition. Last evaluated: 2021-09-01. Review status: no assertion criteria provided. Collection method: clinical testing. Allele origin: germline.
Comment: This variant is classified as likely benign based on ACMG/AMP sequence variant interpretation guidelines (Richards et al. 2015 PMID: 25741868, with internal and published modifications).

NM_017429.3(BCO1):c.1102-10A>G

Gene: BCO1 (beta-carotene oxygenase 1; plus strand). Cytogenetic location: 16q23.2.
Variant type: single nucleotide variant.
Coding change: c.1102-10A>G on transcript NM_017429.3 (MANE Select); 10 bases into the intron before coding-DNA position 1102, A replaced by G.
Molecular consequence: intron variant.
Genome position (GRCh38, 1-based): chr16:81,280,847, A>G. VCF-style: chr16-81280847-A-G. GRCh37 (hg19) VCF-style: chr16-81314452-A-G.
Identifiers: ClinVar variation 3041523 (VCV003041523.2), dbSNP rs117372108, ClinGen allele CA8191011.